The following is an entry in ClinVar:

ClinVar aggregate classification (germline): Uncertain significance (1 of 4 stars; one submission).

gnomAD v4.1: 1 of 1,614,142 alleles (0.000062%); highest among the groups gnomAD compares: African/African-American, 0.0013%; no homozygotes.

Submission:

Women's Health and Genetics/Laboratory Corporation of America, LabCorp
Classification: Uncertain significance. Last evaluated: 2025-12-23. Review status: criteria provided, single submitter. Criteria: LabCorp Variant Classification Summary - May 2015. Collection method: clinical testing. Allele origin: germline.
Comment: Variant summary: TTN c.856A>G (p.Ile286Val) results in a conservative amino acid change in the encoded protein sequence. Algorithms developed to predict the effect of missense changes on protein structure and function are either unavailable or do not agree on the potential impact of this missense change. The variant was absent in 251402 control chromosomes. The available data on variant occurrences in the general population are insufficient to allow any conclusion about variant significance. To our knowledge, no occurrence of c.856A>G in individuals affected with TTN-related conditions and no experimental evidence demonstrating its impact on protein function have been reported. No submitters have cited clinical-significance assessments for this variant to ClinVar. Based on the evidence outlined above, the variant was classified as uncertain significance.

Literature cited by the submitters: PubMed 35112026.

NM_001267550.2(TTN):c.856A>G (p.Ile286Val)

Gene: TTN (titin; minus strand). Cytogenetic location: 2q31.2.
Variant type: single nucleotide variant.
Coding change: c.856A>G on transcript NM_001267550.2 (MANE Select); coding-DNA position 856, A replaced by G.
Protein change: p.Ile286Val; replaces isoleucine 286 with valine.
Molecular consequence: missense variant.
Genome position (GRCh38, 1-based): chr2:178,799,545, T>C on the plus strand (A>G on the coding strand, the complement: TTN is on the minus strand). VCF-style: chr2-178799545-T-C. GRCh37 (hg19) VCF-style: chr2-179664272-T-C.
Other names: c.856A>G, p.Ile286Val (NM_001256850.1, NM_003319.4, NM_133378.4 and 3 more transcripts); short protein forms I286V.
Identifiers: ClinVar variation 4688869 (VCV004688869.1).
Genomic context (GRCh38, chr2:178,799,545, plus strand): 5'-ACCTGACCGGAGATGGGGTCGGTGCCCGCACGTGTCTGACCGGGGAAGGGGAGTGTCTTA[T>C]GGGCGATGGGGACTGCTGCCGAGCCAGCTGTGCTTTGGCAGCAATAGACGGTGGTGTTGG-3'
Protein context (NP_001254479.2, residues 276-296): QLARQQSPSP[Ile286Val]RHSPSPVRHV